The following is an entry in ClinVar:

ClinVar aggregate classification (germline): Uncertain significance. Review status: criteria provided, multiple submitters, no conflicts (2 of 4 stars). 2 submissions from 2 submitters: Uncertain significance (2). Last evaluated 2025-08-31.

Conditions:
Emery-Dreifuss muscular dystrophy 5, autosomal dominant (EDMD5). Also called: EMERY-DREIFUSS MUSCULAR DYSTROPHY 5. Identifiers: Orphanet 261, MedGen C2751805, MONDO:0013072, OMIM 612999.

gnomAD v4.1: 10 of 1,613,460 alleles (0.00062%); highest among the groups gnomAD compares: South Asian, 0.011%; no homozygotes.

Submissions (2):

Ambry Genetics
Classification: Uncertain significance. Last evaluated: 2025-08-31. Review status: criteria provided, single submitter. Criteria: Ambry Variant Classification Scheme 2023. Collection method: clinical testing. Allele origin: germline.

Labcorp Genetics (formerly Invitae), Labcorp
Classification: Uncertain significance for Emery-Dreifuss muscular dystrophy 5, autosomal dominant. Last evaluated: 2025-04-17. Review status: criteria provided, single submitter. Criteria: Invitae Variant Classification Sherloc (09022015). Collection method: clinical testing. Allele origin: germline.
Comment: This sequence change replaces threonine, which is neutral and polar, with arginine, which is basic and polar, at codon 3242 of the SYNE2 protein (p.Thr3242Arg). This variant is present in population databases (rs763445605, gnomAD 0.02%). This variant has not been reported in the literature in individuals affected with SYNE2-related conditions. An algorithm developed to predict the effect of missense changes on protein structure and function outputs the following: PolyPhen-2: "Benign". The arginine amino acid residue is found in multiple mammalian species, which suggests that this missense change does not adversely affect protein function. In summary, the available evidence is currently insufficient to determine the role of this variant in disease. Therefore, it has been classified as a Variant of Uncertain Significance.

NM_182914.3(SYNE2):c.9725C>G (p.Thr3242Arg)

Gene: SYNE2 (spectrin repeat containing nuclear envelope protein 2; plus strand). Cytogenetic location: 14q23.2.
Variant type: single nucleotide variant.
Coding change: c.9725C>G on transcript NM_182914.3 (MANE Select); coding-DNA position 9725, C replaced by G.
Protein change: p.Thr3242Arg; replaces threonine 3242 with arginine.
Molecular consequence: missense variant.
Genome position (GRCh38, 1-based): chr14:64,053,638, C>G. VCF-style: chr14-64053638-C-G. GRCh37 (hg19) VCF-style: chr14-64520356-C-G.
Other names: c.9725C>G, p.Thr3242Arg (NM_015180.6); short protein forms T3242R.
Identifiers: ClinVar variation 4178612 (VCV004178612.2).